The following is an entry in ClinVar:

NM_001846.4(COL4A2):c.4843G>T (p.Gly1615Trp)

Gene: COL4A2 (collagen type IV alpha 2 chain; plus strand). Cytogenetic location: 13q34.
Variant type: single nucleotide variant.
Coding change: c.4843G>T on transcript NM_001846.4 (MANE Select); coding-DNA position 4843, G replaced by T.
Protein change: p.Gly1615Trp; replaces glycine 1615 with tryptophan.
Molecular consequence: missense variant.
Genome position (GRCh38, 1-based): chr13:110,508,183, G>T. VCF-style: chr13-110508183-G-T. GRCh37 (hg19) VCF-style: chr13-111160530-G-T.
Other names: short protein forms G1615W.
Identifiers: ClinVar variation 2124128 (VCV002124128.4), dbSNP rs2502218040, ClinGen allele CA388741760.

ClinVar aggregate classification (germline): Uncertain significance (1 of 4 stars; one submission).

Submission:

Labcorp Genetics (formerly Invitae), Labcorp
Classification: Uncertain significance. Last evaluated: 2022-05-12. Review status: criteria provided, single submitter. Criteria: Invitae Variant Classification Sherloc (09022015). Collection method: clinical testing. Allele origin: germline.
Comment: This variant is not present in population databases (gnomAD no frequency). This sequence change replaces glycine, which is neutral and non-polar, with tryptophan, which is neutral and slightly polar, at codon 1615 of the COL4A2 protein (p.Gly1615Trp). This variant has not been reported in the literature in individuals affected with COL4A2-related conditions. In summary, the available evidence is currently insufficient to determine the role of this variant in disease. Therefore, it has been classified as a Variant of Uncertain Significance. Experimental studies and prediction algorithms are not available or were not evaluated, and the functional significance of this variant is currently unknown.